The following is an entry in ClinVar:

ClinVar aggregate classification (germline): Pathogenic (1 of 4 stars; one submission).

Submission:

GeneDx
Classification: Pathogenic. Last evaluated: 2018-01-30. Review status: criteria provided, single submitter. Criteria: GeneDx Variant Classification (06012015). Collection method: clinical testing. Allele origin: germline. Affected: yes.
Comment: The c.2200_2201delGGinsT pathogenic variant in the ARID1B gene has not been reported previously as a pathogenic variant nor as a benign variant, to our knowledge. The c.2200_2201delGGinsT variant causes a frameshift starting with codon Glycine 734, changes this amino acid to a Serine residue, and creates a premature Stop codon at position 11 of the new reading frame, denoted p.Gly734SerfsX11. This variant is predicted to cause loss of normal protein function either through protein truncation or nonsense-mediated mRNA decay. The c.2200_2201delGGinsT variant was not observed in approximately 6500 individuals of European and African American ancestry in the NHLBI Exome Sequencing Project, indicating it is not a common benign variant in these populations. Protein truncating pathogenic variants downstream of this variant have been reported in the Human Gene Mutation Database in association with ARID1B-related disorders (Stenson et al., 2014), supporting the pathogenicity of more upstream truncating variants. We interpret c.2200_2201delGGinsT as a pathogenic variant.

NM_001374828.1(ARID1B):c.2410_2411delinsT (p.Gly804fs)

Gene: ARID1B (AT-rich interaction domain 1B; plus strand). Cytogenetic location: 6q25.3.
Variant type: Indel.
Coding change: c.2410_2411delinsT on transcript NM_001374828.1 (MANE Select); coding-DNA positions 2410 to 2411, GG replaced by T.
Protein change: p.Gly804fs; shifts the reading frame from glycine 804.
Molecular consequence: frameshift variant. On other transcripts: 5 prime UTR variant (1).
Genome position (GRCh38, 1-based): chr6:157,084,824-157,084,825, GG replaced by T. VCF-style: chr6-157084824-GG-T. GRCh37 (hg19) VCF-style: chr6-157405958-GG-T.
Other names: c.2200_2201delGGinsT (NM_020732.3); c.-90_-89delinsT (NM_001363725.2); c.2449_2450delinsT, p.Gly817fs (NM_001371656.1, NM_001374820.1); c.2410_2411delinsT, p.Gly804fs (NM_017519.3); short protein forms G804fs, G817fs.
Identifiers: ClinVar variation 280225 (VCV000280225.2), dbSNP rs886041470, ClinGen allele CA10602999.